The following is an entry in ClinVar:

NM_001377.3(DYNC2H1):c.9526A>G (p.Ile3176Val)

Gene: DYNC2H1 (dynein cytoplasmic 2 heavy chain 1; plus strand). Cytogenetic location: 11q22.3.
Variant type: single nucleotide variant.
Coding change: c.9526A>G on transcript NM_001377.3 (MANE Select); coding-DNA position 9526, A replaced by G.
Protein change: p.Ile3176Val; replaces isoleucine 3176 with valine.
Molecular consequence: missense variant.
Genome position (GRCh38, 1-based): chr11:103,234,119, A>G. VCF-style: chr11-103234119-A-G. GRCh37 (hg19) VCF-style: chr11-103104848-A-G.
Other names: c.9526A>G, p.Ile3176Val (NM_001080463.2); short protein forms I3176V.
Identifiers: ClinVar variation 2784209 (VCV002784209.3), dbSNP rs2496524479, ClinGen allele CA382240063.

ClinVar aggregate classification (germline): Uncertain significance (1 of 4 stars; one submission).

Conditions:
Jeune thoracic dystrophy. Also called: Jeune syndrome; Infantile thoracic dystrophy; Thoracic pelvic phalangeal dystrophy; Jeune's syndrome; Chondroectodermal dysplasia-like syndrome; Short-rib thoracic dysplasia. Identifiers: Orphanet 474, MedGen C0265275, MONDO:0018770.

Submission:

Labcorp Genetics (formerly Invitae), Labcorp
Classification: Uncertain significance for Jeune thoracic dystrophy. Last evaluated: 2023-02-13. Review status: criteria provided, single submitter. Criteria: Invitae Variant Classification Sherloc (09022015). Collection method: clinical testing. Allele origin: germline.
Comment: In summary, the available evidence is currently insufficient to determine the role of this variant in disease. Therefore, it has been classified as a Variant of Uncertain Significance. Advanced modeling of protein sequence and biophysical properties (such as structural, functional, and spatial information, amino acid conservation, physicochemical variation, residue mobility, and thermodynamic stability) performed at Invitae indicates that this missense variant is not expected to disrupt DYNC2H1 protein function. This variant has not been reported in the literature in individuals affected with DYNC2H1-related conditions. This variant is not present in population databases (gnomAD no frequency). This sequence change replaces isoleucine, which is neutral and non-polar, with valine, which is neutral and non-polar, at codon 3176 of the DYNC2H1 protein (p.Ile3176Val).